The following is an entry in ClinVar:

ClinVar aggregate classification (germline): Uncertain significance (1 of 4 stars; one submission).

Allele frequency attached by ClinVar (database versions not stated): gnomAD exomes below 0.00001.

Submission:

Labcorp Genetics (formerly Invitae), Labcorp
Classification: Uncertain significance. Last evaluated: 2025-08-03. Review status: criteria provided, single submitter. Criteria: Invitae Variant Classification Sherloc (09022015). Collection method: clinical testing. Allele origin: germline.
Comment: This sequence change replaces lysine, which is basic and polar, with arginine, which is basic and polar, at codon 277 of the HOXB13 protein (p.Lys277Arg). This variant is not present in population databases (gnomAD no frequency). This variant has not been reported in the literature in individuals affected with HOXB13-related conditions. ClinVar contains an entry for this variant (Variation ID: 1978231). An algorithm developed to predict the effect of missense changes on protein structure and function (PolyPhen-2) suggests that this variant is likely to be disruptive. Experimental studies have shown that this missense change affects HOXB13 function (PMID: 29471853). Algorithms developed to predict the effect of sequence changes on RNA splicing suggest that this variant may create or strengthen a splice site. In summary, the available evidence is currently insufficient to determine the role of this variant in disease. Therefore, it has been classified as a Variant of Uncertain Significance.

Literature cited by the submitters: PubMed 29471853.

NM_006361.6(HOXB13):c.830A>G (p.Lys277Arg)

Gene: HOXB13 (homeobox B13; minus strand). Cytogenetic location: 17q21.32.
Variant type: single nucleotide variant.
Coding change: c.830A>G on transcript NM_006361.6 (MANE Select); coding-DNA position 830, A replaced by G.
Protein change: p.Lys277Arg; replaces lysine 277 with arginine.
Molecular consequence: missense variant.
Genome position (GRCh38, 1-based): chr17:48,726,815, T>C on the plus strand (A>G on the coding strand, the complement: HOXB13 is on the minus strand). VCF-style: chr17-48726815-T-C. GRCh37 (hg19) VCF-style: chr17-46804177-T-C.
Other names: short protein forms K277R.
Identifiers: ClinVar variation 1978231 (VCV001978231.4), dbSNP rs2509512738, ClinGen allele CA400105327.